The following is an entry in ClinVar:

ClinVar aggregate classification (germline): Uncertain significance. Review status: criteria provided, multiple submitters, no conflicts (2 of 4 stars). 2 submissions from 2 submitters: Uncertain significance (2). Last evaluated 2023-08-04.

Conditions:
Blepharophimosis - intellectual disability syndrome, SBBYS type (SBBYSS). Also called: Say-Barber-Biesecker-Young-Simpson variant of Ohdo Syndrome; Say-Barber-Biesecker Variant of Ohdo Syndrome; Say-Barber-Biesecker variant of Ohdo syndrome (SBBYSS); Ohdo syndrome, SBBYS variant; SBBYSS syndrome; Say-Barber-Biesecker-Young-Simpson syndrome. Identifiers: Orphanet 3047, MedGen C1863557, MONDO:0011365, OMIM 603736.
Genitopatellar syndrome (GTPTS). Also called: Genitopatellar syndrome (GPS); ABSENT PATELLAE, SCROTAL HYPOPLASIA, RENAL ANOMALIES, FACIAL DYSMORPHISM, AND MENTAL RETARDATION. Identifiers: Orphanet 85201, MedGen C1853566, MONDO:0011640, OMIM 606170.

Allele frequency attached by ClinVar (database versions not stated): gnomAD exomes 0.00001 and 0.00003; TOPMed 0.00001; ExAC 0.00005; gnomAD 0.00001.
gnomAD v4.1: 26 of 1,614,024 alleles (0.0016%); highest among the groups gnomAD compares: Non-Finnish European, 0.0018%; no homozygotes.

Submissions (2):

Labcorp Genetics (formerly Invitae), Labcorp
Classification: Uncertain significance for Genitopatellar syndrome. Last evaluated: 2023-08-04. Review status: criteria provided, single submitter. Criteria: Invitae Variant Classification Sherloc (09022015). Collection method: clinical testing. Allele origin: germline.
Comment: In summary, the available evidence is currently insufficient to determine the role of this variant in disease. Therefore, it has been classified as a Variant of Uncertain Significance. An algorithm developed to predict the effect of missense changes on protein structure and function (PolyPhen-2) suggests that this variant is likely to be tolerated. ClinVar contains an entry for this variant (Variation ID: 1431199). This variant has not been reported in the literature in individuals affected with KAT6B-related conditions. This variant is present in population databases (rs756038238, gnomAD 0.006%). This sequence change replaces arginine, which is basic and polar, with cysteine, which is neutral and slightly polar, at codon 573 of the KAT6B protein (p.Arg573Cys).

Fulgent Genetics
Classification: Uncertain significance for Blepharophimosis - intellectual disability syndrome, SBBYS type; Genitopatellar syndrome. Last evaluated: 2022-03-04. Review status: criteria provided, single submitter. Criteria: ACMG Guidelines, 2015. Collection method: clinical testing. Allele origin: unknown.

NM_012330.4(KAT6B):c.1717C>T (p.Arg573Cys)

Gene: KAT6B (lysine acetyltransferase 6B; plus strand). Cytogenetic location: 10q22.2.
Variant type: single nucleotide variant.
Coding change: c.1717C>T on transcript NM_012330.4 (MANE Select); coding-DNA position 1717, C replaced by T.
Protein change: p.Arg573Cys; replaces arginine 573 with cysteine.
Molecular consequence: missense variant. On other transcripts: intron variant (13).
Genome position (GRCh38, 1-based): chr10:74,976,054, C>T. VCF-style: chr10-74976054-C-T. GRCh37 (hg19) VCF-style: chr10-76735812-C-T.
Other names: c.1717C>T, p.Arg573Cys (NM_001370136.1, NM_001370137.1); c.1117+600C>T (NM_001370139.1, NM_001370140.1, NM_001370141.1 and 3 more transcripts); c.1444+273C>T (NM_001370138.1, NM_001256468.2); c.846+6279C>T (NM_001370133.1); c.193-3170C>T (NM_001370134.1); c.929-1262C>T (NM_001370143.1, NM_001370144.1); c.193-12965C>T (NM_001370135.1); short protein forms R573C.
Identifiers: ClinVar variation 1431199 (VCV001431199.7), dbSNP rs756038238, ClinGen allele CA5564464.